The following is an entry in ClinVar:

ClinVar aggregate classification (germline): Uncertain significance (1 of 4 stars; one submission).

Allele frequency attached by ClinVar (database versions not stated): gnomAD exomes below 0.00001; ExAC 0.00002; TOPMed 0.00004; ESP Exome Variant Server 0.00008.
gnomAD v4.1: 5 of 1,613,258 alleles (0.00031%); highest among the groups gnomAD compares: African/African-American, 0.004%; no homozygotes.

Submission:

Labcorp Genetics (formerly Invitae), Labcorp
Classification: Uncertain significance. Last evaluated: 2023-07-13. Review status: criteria provided, single submitter. Criteria: Invitae Variant Classification Sherloc (09022015). Collection method: clinical testing. Allele origin: germline.
Comment: In summary, the available evidence is currently insufficient to determine the role of this variant in disease. Therefore, it has been classified as a Variant of Uncertain Significance. This sequence change replaces alanine, which is neutral and non-polar, with valine, which is neutral and non-polar, at codon 2251 of the PCLO protein (p.Ala2251Val). This variant is present in population databases (rs371916901, gnomAD 0.01%). This variant has not been reported in the literature in individuals affected with PCLO-related conditions. ClinVar contains an entry for this variant (Variation ID: 1925494). Algorithms developed to predict the effect of missense changes on protein structure and function output the following: SIFT: "Not Available"; PolyPhen-2: "Not Available"; Align-GVGD: "Not Available". The valine amino acid residue is found in multiple mammalian species, which suggests that this missense change does not adversely affect protein function.

NM_033026.6(PCLO):c.6752C>T (p.Ala2251Val)

Gene: PCLO (piccolo presynaptic cytomatrix protein; minus strand). Cytogenetic location: 7q21.11.
Variant type: single nucleotide variant.
Coding change: c.6752C>T on transcript NM_033026.6 (MANE Select); coding-DNA position 6752, C replaced by T.
Protein change: p.Ala2251Val; replaces alanine 2251 with valine.
Molecular consequence: missense variant.
Genome position (GRCh38, 1-based): chr7:82,954,201, G>A on the plus strand (C>T on the coding strand, the complement: PCLO is on the minus strand). VCF-style: chr7-82954201-G-A. GRCh37 (hg19) VCF-style: chr7-82583517-G-A.
Other names: c.6752C>T, p.Ala2251Val (NM_014510.3); short protein forms A2251V.
Identifiers: ClinVar variation 1925494 (VCV001925494.3), dbSNP rs371916901, ClinGen allele CA4320416.